The following is an entry in ClinVar:

NM_001042492.3(NF1):c.1722-8T>G

Gene: NF1 (neurofibromin 1; plus strand). Cytogenetic location: 17q11.2.
Variant type: single nucleotide variant.
Coding change: c.1722-8T>G on transcript NM_001042492.3 (MANE Select); 8 bases into the intron before coding-DNA position 1722, T replaced by G.
Molecular consequence: intron variant.
Genome position (GRCh38, 1-based): chr17:31,223,436, T>G. VCF-style: chr17-31223436-T-G. GRCh37 (hg19) VCF-style: chr17-29550454-T-G.
Other names: c.1722-8T>G (NM_000267.4).
Identifiers: ClinVar variation 2031383 (VCV002031383.4), dbSNP rs2508124286, ClinGen allele CA2580092808.
Genomic context (GRCh38, chr17:31,223,436, plus strand): 5'-TTATGTCTGGTTATATCTGCATTAGGTTATTGATGATGCTAGTAACAATGAACTTTATGT[T>G]ACTGCAGCTCACAAATGCTTTTTTACATCTGCAAGAAATTAACTAGTCATCAAATGCTTA-3'

ClinVar aggregate classification (germline): Uncertain significance (1 of 4 stars; one submission).

Conditions:
Neurofibromatosis, type 1 (NF1). Also called: VON RECKLINGHAUSEN DISEASE; NEUROFIBROMATOSIS, TYPE I, SOMATIC; Neurofibromatosis, type I; Peripheral type neurofibromatosis. Identifiers: Orphanet 636, MedGen C0027831, MONDO:0018975, OMIM 162200. Disease mechanism: loss of function.

Submission:

Labcorp Genetics (formerly Invitae), Labcorp
Classification: Uncertain significance for Neurofibromatosis, type 1. Last evaluated: 2022-09-20. Review status: criteria provided, single submitter. Criteria: Invitae Variant Classification Sherloc (09022015). Collection method: clinical testing. Allele origin: germline.
Comment: In summary, the available evidence is currently insufficient to determine the role of this variant in disease. Therefore, it has been classified as a Variant of Uncertain Significance. Algorithms developed to predict the effect of sequence changes on RNA splicing suggest that this variant may disrupt the consensus splice site. This variant has not been reported in the literature in individuals affected with NF1-related conditions. This variant is not present in population databases (gnomAD no frequency). This sequence change falls in intron 15 of the NF1 gene. It does not directly change the encoded amino acid sequence of the NF1 protein.